The following is an entry in ClinVar:

ClinVar aggregate classification (germline): Uncertain significance (1 of 4 stars; one submission).

Submission:

CeGaT Center for Human Genetics Tuebingen
Classification: Uncertain significance. Last evaluated: 2026-01-01. Review status: criteria provided, single submitter. Criteria: CeGaT Center For Human Genetics Tuebingen Variant Classification Criteria Version 2. Collection method: clinical testing. Allele origin: germline. Affected: yes. Observed: 1 variant allele.
Comment: FOXF1: PM2, PP3

NM_001451.3(FOXF1):c.803C>G (p.Ala268Gly)

Gene: FOXF1 (forkhead box F1; plus strand). Cytogenetic location: 16q24.1.
Variant type: single nucleotide variant.
Coding change: c.803C>G on transcript NM_001451.3 (MANE Select); coding-DNA position 803, C replaced by G.
Protein change: p.Ala268Gly; replaces alanine 268 with glycine.
Molecular consequence: missense variant.
Genome position (GRCh38, 1-based): chr16:86,511,372, C>G. VCF-style: chr16-86511372-C-G. GRCh37 (hg19) VCF-style: chr16-86544978-C-G.
Other names: short protein forms A268G.
Identifiers: ClinVar variation 4823039 (VCV004823039.4).